The following is an entry in ClinVar:

NM_182961.4(SYNE1):c.18813T>C (p.Ala6271=)

Gene: SYNE1 (spectrin repeat containing nuclear envelope protein 1; minus strand). Cytogenetic location: 6q25.2.
Variant type: single nucleotide variant.
Coding change: c.18813T>C on transcript NM_182961.4 (MANE Select); coding-DNA position 18813, T replaced by C.
Protein change: p.Ala6271=; no amino-acid change (alanine 6271 retained).
Molecular consequence: synonymous variant.
Genome position (GRCh38, 1-based): chr6:152,268,058, A>G on the plus strand (T>C on the coding strand, the complement: SYNE1 is on the minus strand). VCF-style: chr6-152268058-A-G. GRCh37 (hg19) VCF-style: chr6-152589193-A-G.
Other names: c.18600T>C, p.Ala6200= (NM_033071.5).
Identifiers: ClinVar variation 515426 (VCV000515426.9), dbSNP rs368818393, ClinGen allele CA150171927.

ClinVar aggregate classification (germline): Likely benign. Review status: criteria provided, multiple submitters, no conflicts (2 of 4 stars). 2 submissions from 2 submitters: Likely benign (2). Last evaluated 2025-06-22.

Conditions:
Emery-Dreifuss muscular dystrophy 4, autosomal dominant (EDMD4). Also called: EMERY-DREIFUSS MUSCULAR DYSTROPHY 4 WITH VARIABLE FEATURES. Identifiers: Orphanet 261, MedGen C2751807, MONDO:0013071, OMIM 612998.
Autosomal recessive ataxia, Beauce type. Also called: SYNE1 Deficiency; Spinocerebellar ataxia, autosomal recessive 8; ATAXIA, RECESSIVE, OF BEAUCE; SYNE1-Related Autosomal Recessive Cerebellar Ataxia. Identifiers: Orphanet 88644, MedGen C1853116, MONDO:0012549, OMIM 610743.

Allele frequency attached by ClinVar (database versions not stated): gnomAD 0.00001; gnomAD exomes 0.00001; TOPMed 0.00001.
gnomAD v4.1: 11 of 1,612,288 alleles (0.00068%); highest among the groups gnomAD compares: Middle Eastern, 0.016%; no homozygotes.

Submissions (2):

Labcorp Genetics (formerly Invitae), Labcorp
Classification: Likely benign for Emery-Dreifuss muscular dystrophy 4, autosomal dominant; Autosomal recessive ataxia, Beauce type. Last evaluated: 2025-06-22. Review status: criteria provided, single submitter. Criteria: Invitae Variant Classification Sherloc (09022015). Collection method: clinical testing. Allele origin: germline.

GeneDx
Classification: Likely benign. Last evaluated: 2018-02-13. Review status: criteria provided, single submitter. Criteria: GeneDx Variant Classification (06012015). Collection method: clinical testing. Allele origin: germline. Affected: yes.
Comment: This variant is considered likely benign or benign based on one or more of the following criteria: it is a conservative change, it occurs at a poorly conserved position in the protein, it is predicted to be benign by multiple in silico algorithms, and/or has population frequency not consistent with disease.